The following is an entry in ClinVar:

NM_014975.3(MAST1):c.3431C>T (p.Thr1144Met)

Gene: MAST1 (microtubule associated serine/threonine kinase 1; plus strand). Cytogenetic location: 19p13.13.
Variant type: single nucleotide variant.
Coding change: c.3431C>T on transcript NM_014975.3 (MANE Select); coding-DNA position 3431, C replaced by T.
Protein change: p.Thr1144Met; replaces threonine 1144 with methionine.
Molecular consequence: missense variant.
Genome position (GRCh38, 1-based): chr19:12,873,491, C>T. VCF-style: chr19-12873491-C-T. GRCh37 (hg19) VCF-style: chr19-12984305-C-T.
Other names: short protein forms T1144M.
Identifiers: ClinVar variation 4056603 (VCV004056603.1).

ClinVar aggregate classification (germline): Uncertain significance (1 of 4 stars; one submission).

Conditions:
Mega-corpus-callosum syndrome with cerebellar hypoplasia and cortical malformations. Identifiers: MedGen C4748927, MONDO:0032648, OMIM 618273.

gnomAD v4.1: 4 of 1,605,050 alleles (0.00025%); highest among the groups gnomAD compares: Non-Finnish European, 0.00034%; no homozygotes.

Submission:

Laboratorio de Genetica e Diagnostico Molecular, Hospital Israelita Albert Einstein
Classification: Uncertain significance for Mega-corpus-callosum syndrome with cerebellar hypoplasia and cortical malformations. Last evaluated: 2023-09-28. Review status: criteria provided, single submitter. Criteria: ACMG Guidelines, 2015. Collection method: clinical testing. Allele origin: germline. Affected: yes.
Comment: ACMG classification criteria: PM2 supporting, BP4 supporting